The following is an entry in ClinVar:

NM_001759.4(CCND2):c.*171C>T

Gene: CCND2 (cyclin D2; plus strand). Cytogenetic location: 12p13.32.
Variant type: single nucleotide variant.
Coding change: c.*171C>T on transcript NM_001759.4 (MANE Select); 171 bases downstream of the stop codon, C replaced by T.
Molecular consequence: 3 prime UTR variant.
Genome position (GRCh38, 1-based): chr12:4,300,180, C>T. VCF-style: chr12-4300180-C-T. GRCh37 (hg19) VCF-style: chr12-4409346-C-T.
Identifiers: ClinVar variation 1220485 (VCV001220485.27), dbSNP rs143104448, ClinGen allele CA231747582.

ClinVar aggregate classification (germline): Benign/Likely benign. Review status: criteria provided, multiple submitters, no conflicts (2 of 4 stars). 2 submissions from 2 submitters: Benign (1); Likely benign (1). Last evaluated 2022-06-01.

Allele frequency attached by ClinVar (database versions not stated): 1000 Genomes Project 30x 0.00109; 1000 Genomes Project 0.00120; TOPMed 0.00151; gnomAD exomes 0.00270; gnomAD 0.00287 and 0.00295.
gnomAD v4.1: 1,754 of 637,216 alleles (0.28%); highest among the groups gnomAD compares: Non-Finnish European, 0.25%; 7 homozygotes.

Submissions (2):

CeGaT Center for Human Genetics Tuebingen
Classification: Benign. Last evaluated: 2022-06-01. Review status: criteria provided, single submitter. Criteria: CeGaT Center For Human Genetics Tuebingen Variant Classification Criteria Version 2. Collection method: clinical testing. Allele origin: germline. Affected: yes. Observed: 1 variant allele.
Comment: CCND2: BS1, BS2

GeneDx
Classification: Likely benign. Last evaluated: 2020-02-29. Review status: criteria provided, single submitter. Criteria: GeneDx Variant Classification Process June 2021. Collection method: clinical testing. Allele origin: germline. Affected: yes.